The following is an entry in ClinVar:

ClinVar aggregate classification (germline): Uncertain significance (1 of 4 stars; one submission).

Conditions:
Long QT syndrome (LQTS). Identifiers: MedGen C0023976, MeSH D008133, MONDO:0002442. Disease mechanism: loss of function. Inheritance: Various modes of inheritance.

Submission:

Labcorp Genetics (formerly Invitae), Labcorp
Classification: Uncertain significance for Long QT syndrome. Last evaluated: 2020-02-19. Review status: criteria provided, single submitter. Criteria: Invitae Variant Classification Sherloc (09022015). Collection method: clinical testing. Allele origin: germline.
Comment: In summary, the available evidence is currently insufficient to determine the role of this variant in disease. Therefore, it has been classified as a Variant of Uncertain Significance. This sequence change falls in intron 14 of the CACNA1C gene. It does not directly change the encoded amino acid sequence of the CACNA1C protein, but it affects a nucleotide within the consensus splice site of the intron. This variant is not present in population databases (ExAC no frequency). This variant has not been reported in the literature in individuals with CACNA1C-related conditions. Nucleotide substitutions within the consensus splice site are a relatively common cause of aberrant splicing (PMID: 17576681, 9536098). Algorithms developed to predict the effect of sequence changes on RNA splicing suggest that this variant may create or strengthen a splice site, but this prediction has not been confirmed by published transcriptional studies.

Literature cited by the submitters: PubMed 17576681; PubMed 9536098.

NM_000719.7(CACNA1C):c.2103+5G>A

Gene: CACNA1C (calcium voltage-gated channel subunit alpha1 C; plus strand). Cytogenetic location: 12p13.33.
Variant type: single nucleotide variant.
Coding change: c.2103+5G>A on transcript NM_000719.7 (MANE Select); 5 bases into the intron after coding-DNA position 2103, G replaced by A.
Molecular consequence: intron variant.
Genome position (GRCh38, 1-based): chr12:2,581,802, G>A. VCF-style: chr12-2581802-G-A. GRCh37 (hg19) VCF-style: chr12-2690968-G-A.
Other names: c.2103+5G>A (NM_001167624.3, NM_001167623.2, NM_001167625.2 and 18 more transcripts); c.2094+5G>A (NM_001129844.2).
Identifiers: ClinVar variation 1023001 (VCV001023001.8), dbSNP rs2060554007, ClinGen allele CA2012303558.